The following is an entry in ClinVar:

ClinVar aggregate classification (germline): Uncertain significance (1 of 4 stars; one submission).

Conditions:
Hereditary spastic paraplegia 54. Also called: Spastic paraplegia 54, autosomal recessive. Identifiers: Orphanet 320380, MedGen C3539495, MONDO:0014018, OMIM 615033.

Allele frequency attached by ClinVar (database versions not stated): gnomAD 0.00001; gnomAD exomes 0.00001 and 0.00002; ExAC 0.00002; TOPMed 0.00002; 1000 Genomes Project 30x 0.00016; 1000 Genomes Project 0.00020.
gnomAD v4.1: 7 of 1,612,448 alleles (0.00043%); highest among the groups gnomAD compares: Admixed American, 0.012%; no homozygotes.

Submission:

Labcorp Genetics (formerly Invitae), Labcorp
Classification: Uncertain significance for Hereditary spastic paraplegia 54. Last evaluated: 2021-08-31. Review status: criteria provided, single submitter. Criteria: Invitae Variant Classification Sherloc (09022015). Collection method: clinical testing. Allele origin: germline.
Comment: This sequence change replaces lysine with glutamic acid at codon 124 of the DDHD2 protein (p.Lys124Glu). The lysine residue is moderately conserved and there is a small physicochemical difference between lysine and glutamic acid. This variant is present in population databases (rs191787470, ExAC 0.02%). This variant has not been reported in the literature in individuals affected with DDHD2-related conditions. Algorithms developed to predict the effect of missense changes on protein structure and function (SIFT, PolyPhen-2, Align-GVGD) all suggest that this variant is likely to be tolerated. In summary, the available evidence is currently insufficient to determine the role of this variant in disease. Therefore, it has been classified as a Variant of Uncertain Significance.

NM_015214.3(DDHD2):c.370A>G (p.Lys124Glu)

Gene: DDHD2 (DDHD domain containing 2; plus strand). Cytogenetic location: 8p11.23.
Variant type: single nucleotide variant.
Coding change: c.370A>G on transcript NM_015214.3 (MANE Select); coding-DNA position 370, A replaced by G.
Protein change: p.Lys124Glu; replaces lysine 124 with glutamic acid.
Molecular consequence: missense variant. On other transcripts: non-coding transcript variant (2).
Genome position (GRCh38, 1-based): chr8:38,234,543, A>G. VCF-style: chr8-38234543-A-G. GRCh37 (hg19) VCF-style: chr8-38092061-A-G.
Other names: c.370A>G, p.Lys124Glu (NM_001164232.2, NM_001164234.2, NM_001362911.2 and 3 more transcripts); short protein forms K124E.
Identifiers: ClinVar variation 1462334 (VCV001462334.5), dbSNP rs191787470, ClinGen allele CA4715949.